The following is an entry in ClinVar:

ClinVar aggregate classification (germline): Likely pathogenic (1 of 4 stars; one submission).

Conditions:
Usher syndrome type 2C. Also called: Usher syndrome, type 2B; USHER SYNDROME, TYPE IIC. Identifiers: Orphanet 231178, Orphanet 886, MedGen C2931213, MONDO:0011558, OMIM 605472.

gnomAD v4.1: 1 of 1,613,992 alleles (0.000062%); highest among the groups gnomAD compares: African/African-American, 0.0013%; no homozygotes.

Submission:

3billion
Classification: Likely pathogenic for Usher syndrome type 2C. Last evaluated: 2023-11-21. Review status: criteria provided, single submitter. Criteria: ACMG Guidelines, 2015. Collection method: clinical testing. Allele origin: germline. Affected: yes.
Comment: The variant is not observed in the gnomAD v2.1.1 dataset. Predicted Consequence/Location: Stop-gained (nonsense): predicted to result in a loss or disruption of normal protein function through nonsense-mediated decay (NMD) or protein truncation. Multiple pathogenic variants are reported downstream of the variant. Therefore, this variant is classified as Likely pathogenic according to the recommendation of ACMG/AMP guideline.

NM_032119.4(ADGRV1):c.1378C>T (p.Gln460Ter)

Gene: ADGRV1 (adhesion G protein-coupled receptor V1; plus strand). Cytogenetic location: 5q14.3.
Variant type: single nucleotide variant.
Coding change: c.1378C>T on transcript NM_032119.4 (MANE Select); coding-DNA position 1378, C replaced by T.
Protein change: p.Gln460Ter; replaces glutamine 460 with a stop codon.
Molecular consequence: nonsense. On other transcripts: non-coding transcript variant (1).
Genome position (GRCh38, 1-based): chr5:90,628,701, C>T. VCF-style: chr5-90628701-C-T. GRCh37 (hg19) VCF-style: chr5-89924518-C-T.
Other names: short protein forms Q460*.
Identifiers: ClinVar variation 3776102 (VCV003776102.1).